The following is an entry in ClinVar:

NM_000380.4(XPA):c.731A>G (p.His244Arg)

Gene: XPA (XPA, DNA damage recognition and repair factor; minus strand). Cytogenetic location: 9q22.33.
Variant type: single nucleotide variant.
Coding change: c.731A>G on transcript NM_000380.4 (MANE Select); coding-DNA position 731, A replaced by G.
Protein change: p.His244Arg; replaces histidine 244 with arginine.
Molecular consequence: missense variant. On other transcripts: non-coding transcript variant (5).
Genome position (GRCh38, 1-based): chr9:97,675,530, T>C on the plus strand (A>G on the coding strand, the complement: XPA is on the minus strand). VCF-style: chr9-97675530-T-C. GRCh37 (hg19) VCF-style: chr9-100437812-T-C.
Other names: c.605A>G, p.His202Arg (NM_001354975.2); short protein forms H244R, H202R.
Identifiers: ClinVar variation 364088 (VCV000364088.19), dbSNP rs144725456, ClinGen allele CA5148691.

ClinVar aggregate classification (germline): Conflicting classifications of pathogenicity. Review status: criteria provided, conflicting classifications (1 of 4 stars). 6 submissions from 6 submitters: Pathogenic (2); Likely pathogenic (1); Uncertain significance (2). 1 of the submissions does not count toward it. Last evaluated 2026-01-21.

Conditions:
Xeroderma pigmentosum group A (XPA). Also called: Xeroderma pigmentosum, complementation group A; XP, group A; XPA-Related Xeroderma Pigmentosum. Identifiers: Orphanet 910, MedGen C0268135, MONDO:0010210, OMIM 278700.
Xeroderma pigmentosum (XP). Identifiers: Orphanet 910, MedGen C0043346, MONDO:0019600.

Allele frequency attached by ClinVar (database versions not stated): TOPMed 0.00003; gnomAD 0.00007 and 0.00008; gnomAD exomes 0.00013; ESP Exome Variant Server 0.00015; ExAC 0.00019.
gnomAD v4.1: 183 of 1,613,928 alleles (0.011%); highest among the groups gnomAD compares: Non-Finnish European, 0.013%; no homozygotes.

Submissions (6):

Labcorp Genetics (formerly Invitae), Labcorp
Classification: Pathogenic. Last evaluated: 2026-01-21. Review status: criteria provided, single submitter. Criteria: Invitae Variant Classification Sherloc (09022015). Collection method: clinical testing. Allele origin: germline.
Comment: This sequence change replaces histidine, which is basic and polar, with arginine, which is basic and polar, at codon 244 of the XPA protein (p.His244Arg). This variant is present in population databases (rs144725456, gnomAD 0.02%). This missense change has been observed in individual(s) with xeroderma pigmentosum (PMID: 1372103, 34234304). In at least one individual the data is consistent with being in trans (on the opposite chromosome) from a pathogenic variant. ClinVar contains an entry for this variant (Variation ID: 364088). Invitae Evidence Modeling of protein sequence and biophysical properties (such as structural, functional, and spatial information, amino acid conservation, physicochemical variation, residue mobility, and thermodynamic stability) indicates that this missense variant is expected to disrupt XPA protein function with a positive predictive value of 80%. Experimental studies have shown that this missense change affects XPA function (PMID: 9753735). Algorithms developed to predict the effect of sequence changes on RNA splicing suggest that this variant may create or strengthen a splice site. For these reasons, this variant has been classified as Pathogenic.

Women's Health and Genetics/Laboratory Corporation of America, LabCorp
Classification: Pathogenic for Xeroderma pigmentosum. Last evaluated: 2025-05-21. Review status: criteria provided, single submitter. Criteria: LabCorp Variant Classification Summary - May 2015. Collection method: clinical testing. Allele origin: germline.
Comment: Variant summary: XPA c.731A>G (p.His244Arg) results in a non-conservative amino acid change in the encoded protein sequence. Algorithms developed to predict the effect of missense changes on protein structure and function all suggest that this variant is likely to be disruptive. The variant allele was found at a frequency of 0.00013 in 251262 control chromosomes. This frequency is not significantly higher than estimated for a pathogenic variant in XPA causing Xeroderma Pigmentosum (0.00013 vs 0.00034), allowing no conclusion about variant significance. c.731A>G has been reported in the literature in individuals affected with Xeroderma Pigmentosum or related disorder (Satokata_1992, Benkirane_2021, den Heuvel_2023). These data indicate that the variant is very likely to be associated with disease. Experimental studies have shown that this missense change affects XPA function (den Heuvel_2023), Satokata_1992, Kobayashi_1998). The following publications have been ascertained in the context of this evaluation (PMID: 34234304, 9753735, 1372103, 35197637, 36893274). ClinVar contains an entry for this variant (Variation ID: 364088). Based on the evidence outlined above, the variant was classified as pathogenic.

Blueprint Genetics
Classification: Uncertain significance. Last evaluated: 2024-06-14. Review status: criteria provided, single submitter. Criteria: ACMG Guidelines, 2015. Collection method: clinical testing. Allele origin: germline.

Baylor Genetics
Classification: Likely pathogenic for Xeroderma pigmentosum group A. Last evaluated: 2024-03-20. Review status: criteria provided, single submitter. Criteria: ACMG Guidelines, 2015. Collection method: clinical testing. Allele origin: unknown.

Institute for Clinical Genetics, University Hospital TU Dresden, University Hospital TU Dresden
Classification: Uncertain significance. Last evaluated: 2021-11-03. Review status: criteria provided, single submitter. Criteria: ACMG Guidelines, 2015. Collection method: clinical testing. Allele origin: germline.

Counsyl
Classification: Uncertain significance for Xeroderma pigmentosum group A. Last evaluated: 2017-08-03. Review status: no assertion criteria provided. Collection method: clinical testing. Allele origin: unknown. Not counted in ClinVar's aggregate classification.

Literature cited by the submitters: PubMed 1372103 (cited by 3 submitters); PubMed 34234304 (cited by Labcorp Genetics (formerly Invitae), Labcorp and Women's Health and Genetics/Laboratory Corporation of America, LabCorp); PubMed 9753735 (cited by 3 submitters); PubMed 35197637 (cited by Women's Health and Genetics/Laboratory Corporation of America, LabCorp); PubMed 36893274 (cited by Women's Health and Genetics/Laboratory Corporation of America, LabCorp).